The following is an entry in ClinVar:

ClinVar aggregate classification (germline): Uncertain significance (1 of 4 stars; one submission).

Submission:

Mayo Clinic Laboratories, Mayo Clinic
Classification: Uncertain significance. Last evaluated: 2025-04-24. Review status: criteria provided, single submitter. Criteria: ACMG Guidelines, 2015. Collection method: clinical testing. Allele origin: germline. Observed: 1 variant allele.
Comment: BP4, PM2_supporting

NM_005245.4(FAT1):c.11777T>C (p.Val3926Ala)

Gene: FAT1 (FAT atypical cadherin 1; minus strand). Cytogenetic location: 4q35.2.
Variant type: single nucleotide variant.
Coding change: c.11777T>C on transcript NM_005245.4 (MANE Select); coding-DNA position 11777, T replaced by C.
Protein change: p.Val3926Ala; replaces valine 3926 with alanine.
Molecular consequence: missense variant.
Genome position (GRCh38, 1-based): chr4:186,600,224, A>G on the plus strand (T>C on the coding strand, the complement: FAT1 is on the minus strand). VCF-style: chr4-186600224-A-G. GRCh37 (hg19) VCF-style: chr4-187521378-A-G.
Other names: p.Val3926Ala; c.11777T>C, p.Val3926Ala (NM_001440455.1, NM_001440456.1, NM_001440457.1); short protein forms V3926A.
Identifiers: ClinVar variation 4541025 (VCV004541025.1).
Genomic context (GRCh38, chr4:186,600,224, plus strand): 5'-AGGTTCAGGGTTTTCAGAGTCCCTGGGGCTGTGCCCGATGCAGTATGAACTTGGTCTAGA[A>G]CCAAGCGAGCATAGTTTCCATTCACTTCCAGGGCCACTGCGTGCCACTGCCCATCATTGA-3'
Protein context (NP_005236.2, residues 3916-3936): LEVNGNYARL[Val3926Ala]LDQVHTASGT